The following is an entry in ClinVar:

ClinVar aggregate classification (germline): Uncertain significance. Review status: criteria provided, multiple submitters, no conflicts (2 of 4 stars). 2 submissions from 2 submitters: Uncertain significance (2). Last evaluated 2024-02-23.

Conditions:
Congenital myasthenic syndrome 17. Identifiers: Orphanet 590, MedGen C4225377, MONDO:0014578, OMIM 616304.
Sclerosteosis 2 (SOST2). Identifiers: Orphanet 3152, MedGen C3280402, MONDO:0013679, OMIM 614305.
Cenani-Lenz syndactyly syndrome. Also called: SYNDACTYLY, TYPE VII; CENANI SYNDACTYLISM. Identifiers: Orphanet 3258, MedGen C1859309, MONDO:0008931, OMIM 212780.

Submissions (2):

Fulgent Genetics
Classification: Uncertain significance for Cenani-Lenz syndactyly syndrome; Sclerosteosis 2; Congenital myasthenic syndrome 17. Last evaluated: 2024-02-23. Review status: criteria provided, single submitter. Criteria: ACMG Guidelines, 2015. Collection method: clinical testing. Allele origin: germline.

Labcorp Genetics (formerly Invitae), Labcorp
Classification: Uncertain significance for Cenani-Lenz syndactyly syndrome; Sclerosteosis 2; Congenital myasthenic syndrome 17. Last evaluated: 2022-08-31. Review status: criteria provided, single submitter. Criteria: Invitae Variant Classification Sherloc (09022015). Collection method: clinical testing. Allele origin: germline.
Comment: This variant is not present in population databases (gnomAD no frequency). This sequence change falls in intron 16 of the LRP4 gene. It does not directly change the encoded amino acid sequence of the LRP4 protein. It affects a nucleotide within the consensus splice site. In summary, the available evidence is currently insufficient to determine the role of this variant in disease. Therefore, it has been classified as a Variant of Uncertain Significance. Variants that disrupt the consensus splice site are a relatively common cause of aberrant splicing (PMID: 17576681, 9536098). Algorithms developed to predict the effect of sequence changes on RNA splicing suggest that this variant may disrupt the consensus splice site. ClinVar contains an entry for this variant (Variation ID: 1007162). This variant has not been reported in the literature in individuals affected with LRP4-related conditions.

Literature cited by the submitters: PubMed 17576681 (cited by Labcorp Genetics (formerly Invitae), Labcorp); PubMed 9536098 (cited by Labcorp Genetics (formerly Invitae), Labcorp).

NM_002334.4(LRP4):c.2215+5G>A

Gene: LRP4 (LDL receptor related protein 4; minus strand). Cytogenetic location: 11p11.2.
Variant type: single nucleotide variant.
Coding change: c.2215+5G>A on transcript NM_002334.4 (MANE Select); 5 bases into the intron after coding-DNA position 2215, G replaced by A.
Molecular consequence: intron variant.
Genome position (GRCh38, 1-based): chr11:46,889,406, C>T on the plus strand (G>A on the coding strand, the complement: LRP4 is on the minus strand). VCF-style: chr11-46889406-C-T. GRCh37 (hg19) VCF-style: chr11-46910957-C-T.
Identifiers: ClinVar variation 1007162 (VCV001007162.7), dbSNP rs1941370233, ClinGen allele CA1969133853.